The following is an entry in ClinVar:

ClinVar aggregate classification (germline): Likely benign (1 of 4 stars; one submission).

Submission:

CeGaT Center for Human Genetics Tuebingen
Classification: Likely benign. Last evaluated: 2026-09-01. Review status: criteria provided, single submitter. Criteria: CeGaT Center For Human Genetics Tuebingen Variant Classification Criteria Version 2. Collection method: clinical testing. Allele origin: germline. Affected: yes. Observed: 4 variant alleles.
Comment: KCNN2: BS1

NM_021614.4(KCNN2):c.2255T>C (p.Ile752Thr)

Genes: KCNN2 (potassium calcium-activated channel subfamily N member 2; plus strand), KCNN2-AS1 (KCNN2 antisense RNA 1; minus strand). Cytogenetic location: 5q22.3.
Variant type: single nucleotide variant.
Coding change: c.2255T>C on transcript NM_021614.4 (MANE Select); coding-DNA position 2255, T replaced by C.
Protein change: p.Ile752Thr; replaces isoleucine 752 with threonine.
Molecular consequence: missense variant. On other transcripts: non-coding transcript variant (2).
Genome position (GRCh38, 1-based): chr5:114,496,061, T>C. VCF-style: chr5-114496061-T-C. GRCh37 (hg19) VCF-style: chr5-113831758-T-C.
Other names: c.2453T>C, p.Ile818Thr (NM_001372233.1); c.575T>C, p.Ile192Thr (NM_170775.3); short protein forms I192T, I752T, I818T.
Identifiers: ClinVar variation 3770605 (VCV003770605.13).